The following is an entry in ClinVar:

ClinVar aggregate classification (germline): Uncertain significance (1 of 4 stars; one submission).

Conditions:
Inborn genetic diseases. Identifiers: MedGen C0950123, MeSH D030342.

Submission:

Ambry Genetics
Classification: Uncertain significance for Inborn genetic diseases. Last evaluated: 2025-05-27. Review status: criteria provided, single submitter. Criteria: Ambry Variant Classification Scheme 2023. Collection method: clinical testing. Allele origin: germline.
Comment: The p.L370R variant (also known as c.1109T>G), located in coding exon 9 of the FANCG gene, results from a T to G substitution at nucleotide position 1109. The leucine at codon 370 is replaced by arginine, an amino acid with dissimilar properties. This amino acid position is conserved. In addition, the in silico prediction for this alteration is inconclusive. Based on the available evidence, the clinical significance of this variant remains unclear.

NM_004629.2(FANCG):c.1109T>G (p.Leu370Arg)

Gene: FANCG (FA complementation group G; minus strand). Cytogenetic location: 9p13.3.
Variant type: single nucleotide variant.
Coding change: c.1109T>G on transcript NM_004629.2 (MANE Select); coding-DNA position 1109, T replaced by G.
Protein change: p.Leu370Arg; replaces leucine 370 with arginine.
Molecular consequence: missense variant.
Genome position (GRCh38, 1-based): chr9:35,075,996, A>C on the plus strand (T>G on the coding strand, the complement: FANCG is on the minus strand). VCF-style: chr9-35075996-A-C. GRCh37 (hg19) VCF-style: chr9-35075993-A-C.
Other names: short protein forms L370R.
Identifiers: ClinVar variation 4022540 (VCV004022540.1).